The following is an entry in ClinVar:

NM_001292063.2(OTOG):c.7694-1G>A

Gene: OTOG (otogelin; plus strand). Cytogenetic location: 11p15.1.
Variant type: single nucleotide variant.
Coding change: c.7694-1G>A on transcript NM_001292063.2 (MANE Select); the canonical splice acceptor site of the intron before coding-DNA position 7694, G replaced by A.
Molecular consequence: splice acceptor variant.
Genome position (GRCh38, 1-based): chr11:17,635,609, G>A. VCF-style: chr11-17635609-G-A. GRCh37 (hg19) VCF-style: chr11-17657156-G-A.
Other names: c.7730-1G>A (NM_001277269.2).
Identifiers: ClinVar variation 3600670 (VCV003600670.1).
Genomic context (GRCh38, chr11:17,635,609, plus strand): 5'-GCTGTGTGCCAGGCCCCTATGAGAGGACTGCTGTGACAGCATTGACCCTCTTCCCCCTCA[G>A]CCTGTGGTGACTGTCCAGACTCCATCCCCGAATGTCAAGAAGGGGAGGCGCTCACTGTGC-3'

ClinVar aggregate classification (germline): Likely pathogenic (1 of 4 stars; one submission).

gnomAD v4.1: 13 of 1,549,986 alleles (0.00084%); highest among the groups gnomAD compares: Non-Finnish European, 0.001%; no homozygotes.

Submission:

GeneDx
Classification: Likely pathogenic. Last evaluated: 2024-07-22. Review status: criteria provided, single submitter. Criteria: GeneDx Variant Classification Process June 2021. Collection method: clinical testing. Allele origin: germline. Affected: yes.
Comment: Canonical splice site variant predicted to result in an in-frame loss of the adjacent exon in a gene for which loss of function is a known mechanism of disease; Not observed at significant frequency in large population cohorts (gnomAD); Has not been previously published as pathogenic or benign to our knowledge